The following is an entry in ClinVar:

ClinVar aggregate classification (germline): Likely benign. Review status: criteria provided, multiple submitters, no conflicts (2 of 4 stars). 2 submissions from 2 submitters: Likely benign (2). Last evaluated 2024-06-13.

Conditions:
Congenital contractural arachnodactyly (CCA). Also called: BEALS SYNDROME; Arthrogryposis, distal, type 9; Beals-Hecht syndrome. Identifiers: Orphanet 115, MedGen C0220668, MONDO:0007363, OMIM 121050.

Allele frequency attached by ClinVar (database versions not stated): gnomAD exomes below 0.00001; TOPMed below 0.00001; ExAC 0.00001.
gnomAD v4.1: 3 of 1,613,176 alleles (0.00019%); highest among the groups gnomAD compares: Non-Finnish European, 0.00025%; no homozygotes.

Submissions (2):

Labcorp Genetics (formerly Invitae), Labcorp
Classification: Likely benign for Congenital contractural arachnodactyly. Last evaluated: 2024-06-13. Review status: criteria provided, single submitter. Criteria: Invitae Variant Classification Sherloc (09022015). Collection method: clinical testing. Allele origin: germline.

GeneDx
Classification: Likely benign. Last evaluated: 2015-12-13. Review status: criteria provided, single submitter. Criteria: GeneDx Variant Classification (06012015). Collection method: clinical testing. Allele origin: germline. Affected: yes.
Comment: This variant is considered likely benign or benign based on one or more of the following criteria: it is a conservative change, it occurs at a poorly conserved position in the protein, it is predicted to be benign by multiple in silico algorithms, and/or has population frequency not consistent with disease.

NM_001999.4(FBN2):c.1849+12G>A

Gene: FBN2 (fibrillin 2; minus strand). Cytogenetic location: 5q23.3.
Variant type: single nucleotide variant.
Coding change: c.1849+12G>A on transcript NM_001999.4 (MANE Select); 12 bases into the intron after coding-DNA position 1849, G replaced by A.
Molecular consequence: intron variant.
Genome position (GRCh38, 1-based): chr5:128,377,740, C>T on the plus strand (G>A on the coding strand, the complement: FBN2 is on the minus strand). VCF-style: chr5-128377740-C-T. GRCh37 (hg19) VCF-style: chr5-127713433-C-T.
Identifiers: ClinVar variation 382293 (VCV000382293.3), dbSNP rs777910433, ClinGen allele CA3395717.
Genomic context (GRCh38, chr5:128,377,740, plus strand): 5'-ATAGTACATGGTTCTAAATAAAAATGTATATCCTTTTAAAATCTTTTGCAAGGGAGCAGG[C>T]AATTTCCATACCAACACAGTTTTTTCCATCTGTAGTTAATTCAAAGCCGGCATTGCAAAT-3'